The following is an entry in ClinVar:

ClinVar aggregate classification (germline): Uncertain significance. Review status: criteria provided, multiple submitters, no conflicts (2 of 4 stars). 5 submissions from 5 submitters: Uncertain significance (2). 3 of the submissions do not count toward it. Last evaluated 2023-10-29.

Conditions:
Hypertrophic cardiomyopathy. Also called: HYPERTROPHIC MYOCARDIOPATHY. Identifiers: Orphanet 217569, MedGen C0007194, MeSH D002312, MONDO:0005045, HP:0001639.
Primary dilated cardiomyopathy (DCM). Also called: Dilated Cardiomyopathy. Identifiers: Orphanet 217604, MedGen C0007193, MeSH D002311, MONDO:0005021, HP:0001644. Inheritance: Various modes of inheritance.

Allele frequency attached by ClinVar (database versions not stated): gnomAD 0.00002; TOPMed 0.00002.
gnomAD v4.1: 25 of 1,613,590 alleles (0.0015%); highest among the groups gnomAD compares: Middle Eastern, 0.049%; 1 homozygote.

Submissions (5):

Ambry Genetics
Classification: Uncertain significance. Last evaluated: 2023-10-29. Review status: criteria provided, single submitter. Criteria: Ambry Variant Classification Scheme 2023. Collection method: clinical testing. Allele origin: germline.
Comment: The p.P268L variant (also known as c.803C>T), located in coding exon 7 of the PDLIM3 gene, results from a C to T substitution at nucleotide position 803. The proline at codon 268 is replaced by leucine, an amino acid with similar properties. This amino acid position is conserved. In addition, the in silico prediction for this alteration is inconclusive. Since supporting evidence is limited at this time, the clinical significance of this alteration remains unclear.

Labcorp Genetics (formerly Invitae), Labcorp
Classification: Uncertain significance for Hypertrophic cardiomyopathy; Primary dilated cardiomyopathy. Last evaluated: 2021-04-06. Review status: criteria provided, single submitter. Criteria: Invitae Variant Classification Sherloc (09022015). Collection method: clinical testing. Allele origin: germline.
Comment: In summary, the available evidence is currently insufficient to determine the role of this variant in disease. Therefore, it has been classified as a Variant of Uncertain Significance. Algorithms developed to predict the effect of missense changes on protein structure and function (SIFT, PolyPhen-2, Align-GVGD) all suggest that this variant is likely to be disruptive, but these predictions have not been confirmed by published functional studies and their clinical significance is uncertain. This variant has not been reported in the literature in individuals with PDLIM3-related conditions. This variant is not present in population databases (ExAC no frequency). This sequence change replaces proline with leucine at codon 268 of the PDLIM3 protein (p.Pro268Leu). The proline residue is highly conserved and there is a moderate physicochemical difference between proline and leucine.

Clinical Genetics DNA and cytogenetics Diagnostics Lab, Erasmus MC, Erasmus Medical Center
Classification: Uncertain significance. Review status: no assertion criteria provided. Collection method: clinical testing. Allele origin: germline. Affected: yes. Study: VKGL Data-share Consensus. Not counted in ClinVar's aggregate classification.

Genome Diagnostics Laboratory, University Medical Center Utrecht
Classification: Uncertain significance. Review status: no assertion criteria provided. Collection method: clinical testing. Allele origin: germline. Affected: yes. Study: VKGL Data-share Consensus. Not counted in ClinVar's aggregate classification.

Joint Genome Diagnostic Labs from Nijmegen and Maastricht, Radboudumc and MUMC+
Classification: Uncertain significance. Review status: no assertion criteria provided. Collection method: clinical testing. Allele origin: germline. Affected: yes. Study: VKGL Data-share Consensus. Not counted in ClinVar's aggregate classification.

NM_014476.6(PDLIM3):c.803C>T (p.Pro268Leu)

Gene: PDLIM3 (PDZ and LIM domain 3; minus strand). Cytogenetic location: 4q35.1.
Variant type: single nucleotide variant.
Coding change: c.803C>T on transcript NM_014476.6 (MANE Select); coding-DNA position 803, C replaced by T.
Protein change: p.Pro268Leu; replaces proline 268 with leucine.
Molecular consequence: missense variant. On other transcripts: non-coding transcript variant (1).
Genome position (GRCh38, 1-based): chr4:185,504,577, G>A on the plus strand (C>T on the coding strand, the complement: PDLIM3 is on the minus strand). VCF-style: chr4-185504577-G-A. GRCh37 (hg19) VCF-style: chr4-186425731-G-A.
Other names: c.659C>T, p.Pro220Leu (NM_001114107.5); c.539C>T, p.Pro180Leu (NM_001257962.2); c.302C>T, p.Pro101Leu (NM_001257963.2); c.803C>T (NM_014476.4); short protein forms P268L, P101L, P220L, P180L.
Identifiers: ClinVar variation 960480 (VCV000960480.15), dbSNP rs1188446991, ClinGen allele CA358921436.